The following is an entry in ClinVar:

ClinVar aggregate classification (germline): Uncertain significance (1 of 4 stars; one submission).

Allele frequency attached by ClinVar (database versions not stated): TOPMed below 0.00001; gnomAD exomes 0.00001 and 0.00002; ExAC 0.00002.

Submission:

Labcorp Genetics (formerly Invitae), Labcorp
Classification: Uncertain significance. Last evaluated: 2021-11-02. Review status: criteria provided, single submitter. Criteria: Invitae Variant Classification Sherloc (09022015). Collection method: clinical testing. Allele origin: germline.
Comment: This sequence change replaces serine, which is neutral and polar, with proline, which is neutral and non-polar, at codon 253 of the GNPTG protein (p.Ser253Pro). This variant is present in population databases (rs759356138, gnomAD 0.02%). This variant has not been reported in the literature in individuals affected with GNPTG-related conditions. Algorithms developed to predict the effect of missense changes on protein structure and function are either unavailable or do not agree on the potential impact of this missense change (SIFT: "Deleterious"; PolyPhen-2: "Benign"; Align-GVGD: "Class C0"). In summary, the available evidence is currently insufficient to determine the role of this variant in disease. Therefore, it has been classified as a Variant of Uncertain Significance.

NM_032520.5(GNPTG):c.757T>C (p.Ser253Pro)

Gene: GNPTG (N-acetylglucosamine-1-phosphate transferase subunit gamma; plus strand). Cytogenetic location: 16p13.3.
Variant type: single nucleotide variant.
Coding change: c.757T>C on transcript NM_032520.5 (MANE Select); coding-DNA position 757, T replaced by C.
Protein change: p.Ser253Pro; replaces serine 253 with proline.
Molecular consequence: missense variant.
Genome position (GRCh38, 1-based): chr16:1,362,840, T>C. VCF-style: chr16-1362840-T-C. GRCh37 (hg19) VCF-style: chr16-1412841-T-C.
Other names: short protein forms S253P.
Identifiers: ClinVar variation 1463840 (VCV001463840.3), dbSNP rs759356138, ClinGen allele CA7807939.